The following is an entry in ClinVar:

ClinVar aggregate classification (germline): Likely pathogenic (1 of 4 stars; one submission).

Conditions:
Intellectual developmental disorder, X-linked 106. Also called: Intellectual disability, X-linked 106; Mental retardation, X-linked 106. Identifiers: MedGen C4478379, MONDO:0030907, OMIM 300997.

Submission:

Victorian Clinical Genetics Services, Murdoch Childrens Research Institute
Classification: Likely pathogenic for Intellectual developmental disorder, X-linked 106. Last evaluated: 2025-09-14. Review status: criteria provided, single submitter. Criteria: ACMG Guidelines, 2015. Collection method: clinical testing. Allele origin: germline. Affected: yes.
Comment: This variant is classified as Likely pathogenic. Evidence in support of pathogenic classification: Variant is absent from gnomAD (v2, v3 and v4); Missense variant in a region that is highly intolerant to missense variation (high constraint region in DECIPHER); Additional information: Variant is predicted to result in a missense amino acid change from Ser to Pro; This variant is heterozygous; This gene is associated with X-linked disease. Heterozygous females may be affected or unaffected, dependent on X-inactivation (PMID: 31296563); This variant has no previous evidence of pathogenicity; No published evidence of segregation with disease has been identified for this variant; No published functional evidence has been identified for this variant; No comparable missense variants have previous evidence for pathogenicity; Missense variant with inconclusive in silico prediction and uninformative conservation; Loss of function is a known mechanism of disease in this gene and is associated with intellectual developmental disorder, X-linked 106 (MIM#300997).

Literature cited by the submitters: PubMed 31296563.

NM_181672.3(OGT):c.1711T>C (p.Ser571Pro)

Gene: OGT (O-linked N-acetylglucosamine (GlcNAc) transferase; plus strand). Cytogenetic location: Xq13.1.
Variant type: single nucleotide variant.
Coding change: c.1711T>C on transcript NM_181672.3 (MANE Select); coding-DNA position 1711, T replaced by C.
Protein change: p.Ser571Pro; replaces serine 571 with proline.
Molecular consequence: missense variant.
Genome position (GRCh38, 1-based): chrX:71,559,375, T>C. VCF-style: chrX-71559375-T-C. GRCh37 (hg19) VCF-style: chrX-70779225-T-C.
Other names: c.1681T>C, p.Ser561Pro (NM_181673.3); short protein forms S561P, S571P.
Identifiers: ClinVar variation 4531346 (VCV004531346.1).